The following is an entry in ClinVar:

ClinVar aggregate classification (germline): Conflicting classifications of pathogenicity. Review status: criteria provided, conflicting classifications (1 of 4 stars). 2 submissions from 2 submitters: Likely pathogenic (1); Uncertain significance (1). Last evaluated 2026-06-10.

Conditions:
Bifunctional peroxisomal enzyme deficiency (DBIF). Also called: D-bifunctional protein deficiency; DBP DEFICIENCY; PBFE DEFICIENCY. Identifiers: Orphanet 300, MedGen C0342870, MONDO:0009855, OMIM 261515. Disease mechanism: loss of function.

Submissions (2):

Myriad Genetics, Inc.
Classification: Uncertain significance for Bifunctional peroxisomal enzyme deficiency. Last evaluated: 2026-06-10. Review status: criteria provided, single submitter. Criteria: Myriad Autosomal Dominant, Autosomal Recessive and X-Linked Classification Criteria (2023). Collection method: clinical testing. Allele origin: unknown.
Comment: NM_000414.3(HSD17B4):c.824_826delAGA(K275del) is an in-frame deletion classified as a variant of uncertain significance in the context of HSD17B4-related disorders. K275del has been observed in a case with relevant disease (PMID: 16385454, 16919904). Relevant functional assessments of this variant are not available in the literature. K275del has been observed in referenced population frequency databases. In summary, there is insufficient evidence to classify NM_000414.3(HSD17B4):c.824_826delAGA(K275del) as pathogenic or benign. Please note: this variant was assessed in the context of healthy population screening.

Natera, Inc.
Classification: Likely pathogenic for Bifunctional peroxisomal enzyme deficiency. Last evaluated: 2024-08-11. Review status: criteria provided, single submitter. Criteria: Natera Variant Classification Schema (03/2026). Collection method: clinical testing. Allele origin: germline.
Comment: The c.824_826delAGA variant in HSD17B4 is an in-frame deletion predicted to remove lysine at amino acid 275 while preserving the reading frame. This variant is rare in the general population with a frequency below the threshold expected for the associated phenotype(s). This variant has been observed in one or more individuals affected with the associated recessive disease, as either homozygous or compound heterozygous with a second variant (PMID: 16919904). This variant results in a change to the protein length while preserving reading frame, which may disrupt normal protein structure or function. Computational prediction algorithms indicate this variant is likely to affect gene or protein function. Given the available evidence, this variant is classified as Likely Pathogenic.

Literature cited by the submitters: PubMed 16385454 (cited by Myriad Genetics, Inc.); PubMed 16919904 (cited by Myriad Genetics, Inc. and Natera, Inc.).

NM_000414.4(HSD17B4):c.821AGA[1] (p.Lys275del)

Gene: HSD17B4 (hydroxysteroid 17-beta dehydrogenase 4; plus strand). Cytogenetic location: 5q23.1.
Variant type: Microsatellite.
Coding change: c.821AGA[1] on transcript NM_000414.4 (MANE Select); one copy of the 3-base unit AGA starting at c.821; the reference has two copies in a row; one copy, 3 bases deleted.
Protein change: p.Lys275del; deletes lysine 275.
Molecular consequence: inframe deletion. On other transcripts: non-coding transcript variant (2).
Genome position (GRCh38, 1-based): chr5:119,493,902-119,493,904, AGA deleted; deleting any 3 consecutive bases within chr5:119,493,897-119,493,904 gives the same sequence; the position shown is the placement nearest the transcript's 3' end. VCF-style (leftmost placement, unchanged base first): chr5-119493896-GGAA-G. GRCh37 (hg19) VCF-style: chr5-118829591-GGAA-G.
Other names: c.896AGA[1], p.Lys300del (NM_001199291.3); c.767AGA[1], p.Lys257del (NM_001199292.2); c.749AGA[1], p.Lys251del (NM_001292027.2); c.401AGA[1], p.Lys135del (NM_001292028.2); c.812AGA[1], p.Lys272del (NM_001374497.1); c.821AGA[1], p.Lys275del (NM_001374498.1); c.494AGA[1], p.Lys166del (NM_001374499.1); c.380AGA[1], p.Lys128del (NM_001374500.1); and 1 more; short protein forms K128del, K135del, K138del, K166del, K251del, K257del, K272del, K275del.
Identifiers: ClinVar variation 4818359 (VCV004818359.2).